The following is an entry in ClinVar:

NM_012431.3(SEMA3E):c.339T>C (p.Gly113=)

Gene: SEMA3E (semaphorin 3E; minus strand). Cytogenetic location: 7q21.11.
Variant type: single nucleotide variant.
Coding change: c.339T>C on transcript NM_012431.3 (MANE Select); coding-DNA position 339, T replaced by C.
Protein change: p.Gly113=; no amino-acid change (glycine 113 retained).
Molecular consequence: synonymous variant.
Genome position (GRCh38, 1-based): chr7:83,466,599, A>G on the plus strand (T>C on the coding strand, the complement: SEMA3E is on the minus strand). VCF-style: chr7-83466599-A-G. GRCh37 (hg19) VCF-style: chr7-83095915-A-G.
Other names: c.159T>C, p.Gly53= (NM_001178129.2); c.339T>C (NM_012431.2).
Identifiers: ClinVar variation 1115530 (VCV001115530.10), dbSNP rs564120268, ClinGen allele CA4322361.

ClinVar aggregate classification (germline): Likely benign. Review status: criteria provided, single submitter (1 of 4 stars). 2 submissions from 2 submitters: Likely benign (1). 1 of the submissions does not count toward it. Last evaluated 2025-03-31.

Conditions:
CHARGE syndrome (CHARGE). Also called: Hittner Hirsch Kreh syndrome; CHARGE ASSOCIATION--COLOBOMA, HEART ANOMALY, CHOANAL ATRESIA, RETARDATION, GENITAL AND EAR ANOMALIES; Coloboma, heart anomaly, choanal atresia, retardation, genital and ear anomalies; CHARGE association; Hall-Hittner syndrome. Identifiers: Orphanet 138, MedGen C0265354, MONDO:0008965.
SEMA3E-related disorder. Also called: SEMA3E-related condition.

Allele frequency attached by ClinVar (database versions not stated): gnomAD exomes below 0.00001 and 0.00002; TOPMed 0.00002; ExAC 0.00003; gnomAD 0.00003 and 0.00005; 1000 Genomes Project 0.00040; 1000 Genomes Project 30x 0.00062.
gnomAD v4.1: 13 of 1,613,056 alleles (0.00081%); highest among the groups gnomAD compares: African/African-American, 0.015%; no homozygotes.

Submissions (2):

Labcorp Genetics (formerly Invitae), Labcorp
Classification: Likely benign for CHARGE syndrome. Last evaluated: 2025-03-31. Review status: criteria provided, single submitter. Criteria: Invitae Variant Classification Sherloc (09022015). Collection method: clinical testing. Allele origin: germline.

PreventionGenetics, part of Exact Sciences
Classification: Likely benign for SEMA3E-related condition. Last evaluated: 2021-08-04. Review status: no assertion criteria provided. Collection method: clinical testing. Allele origin: germline. Not counted in ClinVar's aggregate classification.
Comment: This variant is classified as likely benign based on ACMG/AMP sequence variant interpretation guidelines (Richards et al. 2015 PMID: 25741868, with internal and published modifications).